The following is an entry in ClinVar:

NM_012073.5(CCT5):c.652A>G (p.Arg218Gly)

Gene: CCT5 (chaperonin containing TCP1 subunit 5; plus strand). Cytogenetic location: 5p15.2.
Variant type: single nucleotide variant.
Coding change: c.652A>G on transcript NM_012073.5 (MANE Select); coding-DNA position 652, A replaced by G.
Protein change: p.Arg218Gly; replaces arginine 218 with glycine.
Molecular consequence: missense variant.
Genome position (GRCh38, 1-based): chr5:10,258,232, A>G. VCF-style: chr5-10258232-A-G. GRCh37 (hg19) VCF-style: chr5-10258344-A-G.
Other names: c.589A>G, p.Arg197Gly (NM_001306153.1); c.487A>G, p.Arg163Gly (NM_001306154.2); c.373A>G, p.Arg125Gly (NM_001306155.2); c.538A>G, p.Arg180Gly (NM_001306156.2); short protein forms R125G, R180G, R218G, R163G, R197G.
Identifiers: ClinVar variation 4749403 (VCV004749403.1).

ClinVar aggregate classification (germline): Uncertain significance (1 of 4 stars; one submission).

Conditions:
Hereditary sensory and autonomic neuropathy with spastic paraplegia (HSNSP). Identifiers: Orphanet 139578, MedGen C1850395, MONDO:0009748, OMIM 256840.

gnomAD v4.1: 1 of 1,614,260 alleles (0.000062%); highest among the groups gnomAD compares: Non-Finnish European, 0.000085%; no homozygotes.

Submission:

Labcorp Genetics (formerly Invitae), Labcorp
Classification: Uncertain significance for Hereditary sensory and autonomic neuropathy with spastic paraplegia. Last evaluated: 2026-01-12. Review status: criteria provided, single submitter. Criteria: Invitae Variant Classification Sherloc (09022015). Collection method: clinical testing. Allele origin: germline.
Comment: This sequence change replaces arginine, which is basic and polar, with glycine, which is neutral and non-polar, at codon 218 of the CCT5 protein (p.Arg218Gly). This variant is not present in population databases (gnomAD no frequency). This variant has not been reported in the literature in individuals affected with CCT5-related conditions. Invitae Evidence Modeling of protein sequence and biophysical properties (such as structural, functional, and spatial information, amino acid conservation, physicochemical variation, residue mobility, and thermodynamic stability) indicates that this missense variant is not expected to disrupt CCT5 protein function with a negative predictive value of 80%. In summary, the available evidence is currently insufficient to determine the role of this variant in disease. Therefore, it has been classified as a Variant of Uncertain Significance.